The following is an entry in ClinVar:

NM_012281.3(KCND2):c.1253G>A (p.Arg418Gln)

Gene: KCND2 (potassium voltage-gated channel subfamily D member 2; plus strand). Cytogenetic location: 7q31.31.
Variant type: single nucleotide variant.
Coding change: c.1253G>A on transcript NM_012281.3 (MANE Select); coding-DNA position 1253, G replaced by A.
Protein change: p.Arg418Gln; replaces arginine 418 with glutamine.
Molecular consequence: missense variant.
Genome position (GRCh38, 1-based): chr7:120,733,040, G>A. VCF-style: chr7-120733040-G-A. GRCh37 (hg19) VCF-style: chr7-120373094-G-A.
Other names: short protein forms R418Q.
Identifiers: ClinVar variation 2149033 (VCV002149033.4), dbSNP rs1167154482, ClinGen allele CA369134277.

ClinVar aggregate classification (germline): Uncertain significance (1 of 4 stars; one submission).

Conditions:
Early Myoclonic Encephalopathy. Identifiers: MedGen C0270855.

Allele frequency attached by ClinVar (database versions not stated): gnomAD exomes below 0.00001.
gnomAD v4.1: 6 of 1,613,504 alleles (0.00037%); highest among the groups gnomAD compares: Non-Finnish European, 0.00051%; no homozygotes.

Submission:

Labcorp Genetics (formerly Invitae), Labcorp
Classification: Uncertain significance for Early Myoclonic Encephalopathy. Last evaluated: 2022-02-12. Review status: criteria provided, single submitter. Criteria: Invitae Variant Classification Sherloc (09022015). Collection method: clinical testing. Allele origin: germline.
Comment: In summary, the available evidence is currently insufficient to determine the role of this variant in disease. Therefore, it has been classified as a Variant of Uncertain Significance. Algorithms developed to predict the effect of missense changes on protein structure and function are either unavailable or do not agree on the potential impact of this missense change (SIFT: "Deleterious"; PolyPhen-2: "Probably Damaging"; Align-GVGD: "Class C0"). This variant has not been reported in the literature in individuals affected with KCND2-related conditions. This variant is present in population databases (no rsID available, gnomAD 0.0009%). This sequence change replaces arginine, which is basic and polar, with glutamine, which is neutral and polar, at codon 418 of the KCND2 protein (p.Arg418Gln).